The following is an entry in ClinVar:

NM_001110556.2(FLNA):c.3847C>T (p.Arg1283Trp)

Gene: FLNA (filamin A; minus strand). Cytogenetic location: Xq28.
Variant type: single nucleotide variant.
Coding change: c.3847C>T on transcript NM_001110556.2 (MANE Select); coding-DNA position 3847, C replaced by T.
Protein change: p.Arg1283Trp; replaces arginine 1283 with tryptophan.
Molecular consequence: missense variant.
Genome position (GRCh38, 1-based): chrX:154,359,864, G>A on the plus strand (C>T on the coding strand, the complement: FLNA is on the minus strand). VCF-style: chrX-154359864-G-A. GRCh37 (hg19) VCF-style: chrX-153588232-G-A.
Other names: c.3847C>T, p.Arg1283Trp (NM_001456.4); short protein forms R1283W.
Identifiers: ClinVar variation 2580416 (VCV002580416.5), dbSNP rs1231515435, ClinGen allele CA415222258.

ClinVar aggregate classification (germline): Conflicting classifications of pathogenicity. Review status: criteria provided, conflicting classifications (1 of 4 stars). 2 submissions from 2 submitters: Uncertain significance (1); Likely benign (1). Last evaluated 2026-02-05.

Conditions:
Melnick-Needles syndrome (MNS). Also called: Melnick-Needles Syndrome (FLNA-MNS); MELNICK-NEEDLES OSTEODYSPLASTY; OSTEODYSPLASTY OF MELNICK AND NEEDLES. Identifiers: Orphanet 2484, MedGen C0025237, MONDO:0010650, OMIM 309350.
Heterotopia, periventricular, X-linked dominant (PVNH1). Also called: PERIVENTRICULAR NODULAR HETEROTOPIA 1; X-linked periventricular heterotopia; PERIVENTRICULAR NODULAR HETEROTOPIA 4; HETEROTOPIA, PERIVENTRICULAR, 1. Identifiers: Orphanet 2149, Orphanet 82004, MedGen C1848213, MONDO:0010233, OMIM 300049.
Frontometaphyseal dysplasia (FMD1). Identifiers: Orphanet 1826, MedGen C0265293, MONDO:0015942.
Oto-palato-digital syndrome, type II (OPD2). Also called: FACIOPALATOOSSEOUS SYNDROME; Otopalatodigital Syndrome, Type II; Otopalatodigital Syndrome Type 2 (FLNA-OPD2); OPD II SYNDROME. Identifiers: Orphanet 669, Orphanet 90652, MedGen C1844696, MONDO:0010571, OMIM 304120.

Allele frequency attached by ClinVar (database versions not stated): gnomAD exomes below 0.00001; gnomAD 0.00001; TOPMed 0.00001.
gnomAD v4.1: 2 of 1,209,521 alleles (0.00017%); highest among the groups gnomAD compares: Admixed American, 0.0022%; no homozygotes.

Submissions (2):

GeneDx
Classification: Uncertain significance. Last evaluated: 2026-02-05. Review status: criteria provided, single submitter. Criteria: GeneDx Variant Classification Process June 2021. Collection method: clinical testing. Allele origin: germline.
Comment: Not observed at significant frequency in large population cohorts (gnomAD); In silico analysis supports that this missense variant has a deleterious effect on protein structure/function; Has not been previously published as pathogenic or benign to our knowledge

Labcorp Genetics (formerly Invitae), Labcorp
Classification: Likely benign for Oto-palato-digital syndrome, type II; Heterotopia, periventricular, X-linked dominant; Frontometaphyseal dysplasia; Melnick-Needles syndrome. Last evaluated: 2023-10-24. Review status: criteria provided, single submitter. Criteria: Invitae Variant Classification Sherloc (09022015). Collection method: clinical testing. Allele origin: germline.